The following is an entry in ClinVar:

NM_006009.4(TUBA1A):c.484G>A (p.Gly162Ser)

Gene: TUBA1A (tubulin alpha 1a; minus strand). Cytogenetic location: 12q13.12.
Variant type: single nucleotide variant.
Coding change: c.484G>A on transcript NM_006009.4 (MANE Select); coding-DNA position 484, G replaced by A.
Protein change: p.Gly162Ser; replaces glycine 162 with serine.
Molecular consequence: missense variant.
Genome position (GRCh38, 1-based): chr12:49,185,882, C>T on the plus strand (G>A on the coding strand, the complement: TUBA1A is on the minus strand). VCF-style: chr12-49185882-C-T. GRCh37 (hg19) VCF-style: chr12-49579665-C-T.
Other names: c.484G>A, p.Gly162Ser (NM_001270399.2); c.379G>A, p.Gly127Ser (NM_001270400.2); short protein forms G127S, G162S.
Identifiers: ClinVar variation 4281513 (VCV004281513.7).

ClinVar aggregate classification (germline): Uncertain significance (1 of 4 stars; one submission).

Submission:

CeGaT Center for Human Genetics Tuebingen
Classification: Uncertain significance. Last evaluated: 2025-09-01. Review status: criteria provided, single submitter. Criteria: CeGaT Center For Human Genetics Tuebingen Variant Classification Criteria Version 2. Collection method: clinical testing. Allele origin: germline. Affected: yes. Observed: 1 variant allele.
Comment: TUBA1A: PM2, PP2